The following is an entry in ClinVar:

NM_000257.4(MYH7):c.3299T>C (p.Leu1100Pro)

Gene: MYH7 (myosin heavy chain 7; minus strand). Cytogenetic location: 14q11.2.
Variant type: single nucleotide variant.
Coding change: c.3299T>C on transcript NM_000257.4 (MANE Select); coding-DNA position 3299, T replaced by C.
Protein change: p.Leu1100Pro; replaces leucine 1100 with proline.
Molecular consequence: missense variant.
Genome position (GRCh38, 1-based): chr14:23,420,995, A>G on the plus strand (T>C on the coding strand, the complement: MYH7 is on the minus strand). VCF-style: chr14-23420995-A-G. GRCh37 (hg19) VCF-style: chr14-23890204-A-G.
Other names: c.3299T>C, p.Leu1100Pro (NM_001407004.1); short protein forms L1100P.
Identifiers: ClinVar variation 2993934 (VCV002993934.3), dbSNP rs1892450921, ClinGen allele CA389044413.

ClinVar aggregate classification (germline): Uncertain significance (1 of 4 stars; one submission).

Conditions:
Hypertrophic cardiomyopathy. Also called: HYPERTROPHIC MYOCARDIOPATHY. Identifiers: Orphanet 217569, MedGen C0007194, MeSH D002312, MONDO:0005045, HP:0001639.

Submission:

Labcorp Genetics (formerly Invitae), Labcorp
Classification: Uncertain significance for Hypertrophic cardiomyopathy. Last evaluated: 2022-10-30. Review status: criteria provided, single submitter. Criteria: Invitae Variant Classification Sherloc (09022015). Collection method: clinical testing. Allele origin: germline.
Comment: In summary, the available evidence is currently insufficient to determine the role of this variant in disease. Therefore, it has been classified as a Variant of Uncertain Significance. Advanced modeling of protein sequence and biophysical properties (such as structural, functional, and spatial information, amino acid conservation, physicochemical variation, residue mobility, and thermodynamic stability) performed at Invitae indicates that this missense variant is expected to disrupt MYH7 protein function. This variant has not been reported in the literature in individuals affected with MYH7-related conditions. This variant is not present in population databases (gnomAD no frequency). This sequence change replaces leucine, which is neutral and non-polar, with proline, which is neutral and non-polar, at codon 1100 of the MYH7 protein (p.Leu1100Pro).